The following is an entry in ClinVar:

NM_002662.5(PLD1):c.2150C>T (p.Pro717Leu)

Gene: PLD1 (phospholipase D1; minus strand). Cytogenetic location: 3q26.31.
Variant type: single nucleotide variant.
Coding change: c.2150C>T on transcript NM_002662.5 (MANE Select); coding-DNA position 2150, C replaced by T.
Protein change: p.Pro717Leu; replaces proline 717 with leucine.
Molecular consequence: missense variant.
Genome position (GRCh38, 1-based): chr3:171,674,579, G>A on the plus strand (C>T on the coding strand, the complement: PLD1 is on the minus strand). VCF-style: chr3-171674579-G-A. GRCh37 (hg19) VCF-style: chr3-171392369-G-A.
Other names: c.2036C>T, p.Pro679Leu (NM_001130081.3); short protein forms P679L, P717L.
Identifiers: ClinVar variation 2507100 (VCV002507100.1), dbSNP rs1345364230, ClinGen allele CA355493435.
Genomic context (GRCh38, chr3:171,674,579, plus strand): 5'-GACCCAGGCACTTGATATCTCAACTCATGGGCTGTTGTTTGAGACTTTGGAAGCAGAAAA[G>A]GATAAGAAAGGGACCGATATTTTGATTTCATAATCTAAAATAAAGAAAAAGGATAAAATA-3'
Protein context (NP_002653.1, residues 707-727): MKSKYRSLSY[Pro717Leu]FLLPKSQTTA

ClinVar aggregate classification (germline): Uncertain significance (1 of 4 stars; one submission).

Allele frequency attached by ClinVar (database versions not stated): gnomAD exomes below 0.00001; TOPMed below 0.00001.
gnomAD v4.1: 1 of 1,601,242 alleles (0.000062%); highest among the groups gnomAD compares: Admixed American, 0.0017%; no homozygotes.

Submission:

GeneDx
Classification: Uncertain significance. Last evaluated: 2022-12-27. Review status: criteria provided, single submitter. Criteria: GeneDx Variant Classification Process June 2021. Collection method: clinical testing. Allele origin: germline. Affected: yes.
Comment: Not observed at significant frequency in large population cohorts (gnomAD); In silico analysis supports that this missense variant has a deleterious effect on protein structure/function; Has not been previously published as pathogenic or benign to our knowledge